The following is an entry in ClinVar:

ClinVar aggregate classification (germline): Pathogenic/Likely pathogenic. Review status: criteria provided, multiple submitters, no conflicts (2 of 4 stars). 5 submissions from 5 submitters: Pathogenic (2); Likely pathogenic (3). Last evaluated 2025-09-19.

Conditions:
Retinitis pigmentosa (RP). Identifiers: Orphanet 791, MedGen C0035334, MeSH D012174, MONDO:0019200, OMIM 268000. Inheritance: Autosomal dominant, autosomal recessive and X linked inheritance.
Retinitis pigmentosa 26 (RP26). Identifiers: Orphanet 791, MedGen C1842127, MONDO:0012024, OMIM 608380.

Submissions (5):

Natera, Inc.
Classification: Likely pathogenic for Retinitis Pigmentosa 26. Last evaluated: 2025-09-19. Review status: criteria provided, single submitter. Criteria: Natera Variant Classification Schema (03/2026). Collection method: clinical testing. Allele origin: germline.
Comment: The c.1467_1470delTTAC variant in CERKL is a frameshift variant predicted to shift the reading frame beginning at codon 490 and leads to a stop codon 5 codons downstream. This variant is expected to result in nonsense mediated decay, truncation, or a dysfunctional protein product. This variant is rare in the general population with a frequency below the threshold expected for the associated phenotype(s). Given the available evidence, this variant is classified as Likely Pathogenic.

Fulgent Genetics
Classification: Likely pathogenic for Retinitis pigmentosa 26. Last evaluated: 2024-04-15. Review status: criteria provided, single submitter. Criteria: ACMG Guidelines, 2015. Collection method: clinical testing. Allele origin: germline.

Labcorp Genetics (formerly Invitae), Labcorp
Classification: Pathogenic. Last evaluated: 2024-03-01. Review status: criteria provided, single submitter. Criteria: Invitae Variant Classification Sherloc (09022015). Collection method: clinical testing. Allele origin: germline.
Comment: This sequence change creates a premature translational stop signal (p.Tyr490Leufs*5) in the CERKL gene. It is expected to result in an absent or disrupted protein product. Loss-of-function variants in CERKL are known to be pathogenic (PMID: 14681825, 23591405, 24043777). This variant is present in population databases (no rsID available, gnomAD 0.003%). This variant has not been reported in the literature in individuals affected with CERKL-related conditions. ClinVar contains an entry for this variant (Variation ID: 1072011). For these reasons, this variant has been classified as Pathogenic.

Baylor Genetics
Classification: Likely pathogenic for Retinitis pigmentosa 26. Last evaluated: 2024-01-05. Review status: criteria provided, single submitter. Criteria: ACMG Guidelines, 2015. Collection method: clinical testing. Allele origin: unknown.

Ophthalmic Genetics Group, Institute of Molecular and Clinical Ophthalmology Basel
Classification: Pathogenic for Retinitis pigmentosa. Last evaluated: 2023-07-24. Review status: criteria provided, single submitter. Criteria: ACMG Guidelines, 2015. Collection method: research. Allele origin: germline. Affected: yes. Observed: 2 variant alleles.
Comment: Clinical significance based on ACMG v2.0

This variant was classified as Pathogenic based on ACMG criteria: PVS1, PM2, PP5.

Literature cited by the submitters: PubMed 14681825 (cited by Labcorp Genetics (formerly Invitae), Labcorp); PubMed 23591405 (cited by Labcorp Genetics (formerly Invitae), Labcorp); PubMed 24043777 (cited by Labcorp Genetics (formerly Invitae), Labcorp); PubMed 36909829 (cited by Ophthalmic Genetics Group, Institute of Molecular and Clinical Ophthalmology Basel).

NM_201548.5(CERKL):c.1389_1392del (p.Tyr464fs)

Gene: CERKL (CERK like autophagy regulator; minus strand). Cytogenetic location: 2q31.3.
Variant type: Deletion.
Coding change: c.1389_1392del on transcript NM_201548.5 (MANE Select); coding-DNA positions 1389 to 1392, 4 bases deleted (TTAC; older notation c.1389_1392delTTAC).
Protein change: p.Tyr464fs; shifts the reading frame from tyrosine 464.
Molecular consequence: frameshift variant. On other transcripts: non-coding transcript variant (2).
Genome position (GRCh38, 1-based): chr2:181,539,238-181,539,241, GTAA deleted on the plus strand (TTAC on the coding strand, the reverse complement: CERKL is on the minus strand); deleting any 4 consecutive bases within chr2:181,539,238-181,539,243 gives the same sequence; the c. name uses the placement nearest the transcript's 3' end. VCF-style (leftmost placement, unchanged base first): chr2-181539237-TGTAA-T. GRCh37 (hg19) VCF-style: chr2-182403964-TGTAA-T.
Other names: NC_000002.11:g.182403967_182403970del; NP_963842.1:p.(Tyr464LeufsTer5); c.1467_1470del (NM_001030311.2); c.1467_1470del, p.Tyr490fs (NM_001030311.3); c.1050_1053del, p.Tyr351fs (NM_001030312.3); c.1182_1185del, p.Tyr395fs (NM_001030313.3); c.1335_1338del, p.Tyr446fs (NM_001160277.2); c.1467_1470delTTAC (NM_001030311.2); short protein forms Y351fs, Y395fs, Y446fs, Y464fs, Y490fs.
Identifiers: ClinVar variation 1072011 (VCV001072011.13), dbSNP rs1026405158, ClinGen allele CA61572500.